The following is an entry in ClinVar:

ClinVar aggregate classification (germline): Uncertain significance (1 of 4 stars; one submission).

Conditions:
Benign neonatal seizures. Also called: Convulsions benign familial neonatal dominant form; Autosomal dominant form of benign neonatal seizures; Benign familial neonatal seizures; Benign neonatal familial convulsions; Benign familial neonatal epilepsy. Identifiers: Orphanet 1949, MedGen C0220669, MONDO:0016027.

Submission:

Labcorp Genetics (formerly Invitae), Labcorp
Classification: Uncertain significance for Benign neonatal seizures. Last evaluated: 2024-04-27. Review status: criteria provided, single submitter. Criteria: Invitae Variant Classification Sherloc (09022015). Collection method: clinical testing. Allele origin: germline.
Comment: This sequence change replaces glutamic acid, which is acidic and polar, with glycine, which is neutral and non-polar, at codon 160 of the KCNQ3 protein (p.Glu160Gly). This variant is not present in population databases (gnomAD no frequency). This variant has not been reported in the literature in individuals affected with KCNQ3-related conditions. An algorithm developed to predict the effect of missense changes on protein structure and function (PolyPhen-2) suggests that this variant is likely to be disruptive. In summary, the available evidence is currently insufficient to determine the role of this variant in disease. Therefore, it has been classified as a Variant of Uncertain Significance.

NM_004519.4(KCNQ3):c.479A>G (p.Glu160Gly)

Gene: KCNQ3 (potassium voltage-gated channel subfamily Q member 3; minus strand). Cytogenetic location: 8q24.22.
Variant type: single nucleotide variant.
Coding change: c.479A>G on transcript NM_004519.4 (MANE Select); coding-DNA position 479, A replaced by G.
Protein change: p.Glu160Gly; replaces glutamic acid 160 with glycine.
Molecular consequence: missense variant.
Genome position (GRCh38, 1-based): chr8:132,184,366, T>C on the plus strand (A>G on the coding strand, the complement: KCNQ3 is on the minus strand). VCF-style: chr8-132184366-T-C. GRCh37 (hg19) VCF-style: chr8-133196613-T-C.
Other names: c.119A>G, p.Glu40Gly (NM_001204824.2); short protein forms E40G, E160G.
Identifiers: ClinVar variation 3651324 (VCV003651324.2).